The following is an entry in ClinVar:

NM_001260.3(CDK8):c.644T>C (p.Ile215Thr)

Gene: CDK8 (cyclin dependent kinase 8; plus strand). Cytogenetic location: 13q12.13.
Variant type: single nucleotide variant.
Coding change: c.644T>C on transcript NM_001260.3 (MANE Select); coding-DNA position 644, T replaced by C.
Protein change: p.Ile215Thr; replaces isoleucine 215 with threonine.
Molecular consequence: missense variant.
Genome position (GRCh38, 1-based): chr13:26,385,340, T>C. VCF-style: chr13-26385340-T-C. GRCh37 (hg19) VCF-style: chr13-26959477-T-C.
Other names: c.644T>C, p.Ile215Thr (NM_001318368.2); c.125T>C, p.Ile42Thr (NM_001346501.2); short protein forms I215T, I42T.
Identifiers: ClinVar variation 4882878 (VCV004882878.2).
Genomic context (GRCh38, chr13:26,385,340, plus strand): 5'-TTACATTCTGGTACCGAGCCCCTGAACTACTTCTTGGAGCAAGGCATTATACCAAAGCTA[T>C]TGGTGAGTAGAACTAATTAAAATTCCATGAGTTTTTAAAAGTTTCTTTAAAAGACACACA-3'
Protein context (NP_001251.1, residues 205-225): LLGARHYTKA[Ile215Thr]DIWAIGCIFA

ClinVar aggregate classification (germline): Uncertain significance (1 of 4 stars; one submission).

Conditions:
Intellectual developmental disorder with hypotonia and behavioral abnormalities. Identifiers: MedGen C5231489, MONDO:0032897, OMIM 618748.

gnomAD v4.1: 1 of 1,603,022 alleles (0.000062%); highest among the groups gnomAD compares: Non-Finnish European, 0.000085%; no homozygotes.

Submission:

Dasa
Classification: Uncertain significance for Intellectual developmental disorder with hypotonia and behavioral abnormalities. Last evaluated: 2025-03-06. Review status: criteria provided, single submitter. Criteria: DASA Assertion Criteria. Collection method: clinical testing. Allele origin: germline.
Comment: NM_001260.3(CDK8):c.644T>C (p.Ile215Thr) is a missense variant that results in the substitution of isoleucine with threonine. This variant is rare in population databases. Computational prediction algorithms are consistent with a deleterious effect. The currently available literature and clinical evidence are not sufficient to establish a definitive association between this variant and the reported condition. Therefore, this variant is classified as a variant of uncertain significance.